The following is an entry in ClinVar:

ClinVar aggregate classification (germline): Likely benign (0 of 4 stars; one submission).

Conditions:
ARID1A-related disorder. Also called: ARID1A-related condition.

gnomAD v4.1: 39 of 1,330,740 alleles (0.0029%); highest among the groups gnomAD compares: Non-Finnish European, 0.0036%; no homozygotes.

Submission:

PreventionGenetics, part of Exact Sciences
Classification: Likely benign for ARID1A-related condition. Last evaluated: 2019-07-25. Review status: no assertion criteria provided. Collection method: clinical testing. Allele origin: germline.
Comment: This variant is classified as likely benign based on ACMG/AMP sequence variant interpretation guidelines (Richards et al. 2015 PMID: 25741868, with internal and published modifications).

NM_006015.6(ARID1A):c.936C>A (p.Pro312=)

Genes: ARID1A (AT-rich interaction domain 1A; plus strand), LOC129929837 (ATAC-STARR-seq lymphoblastoid silent region 489; plus strand). Cytogenetic location: 1p36.11.
Variant type: single nucleotide variant.
Coding change: c.936C>A on transcript NM_006015.6 (MANE Select); coding-DNA position 936, C replaced by A.
Protein change: p.Pro312=; no amino-acid change (proline 312 retained).
Molecular consequence: synonymous variant.
Genome position (GRCh38, 1-based): chr1:26,697,339, C>A. VCF-style: chr1-26697339-C-A. GRCh37 (hg19) VCF-style: chr1-27023830-C-A.
Other names: c.936C>A, p.Pro312= (NM_139135.4).
Identifiers: ClinVar variation 3350844 (VCV003350844.1).